The following is an entry in ClinVar:

NM_000426.4(LAMA2):c.6573del (p.Phe2191fs)

Gene: LAMA2 (laminin subunit alpha 2; plus strand). Cytogenetic location: 6q22.33.
Variant type: Deletion.
Coding change: c.6573del on transcript NM_000426.4 (MANE Select); coding-DNA position 6573, one base deleted (T; older notation c.6573delT).
Protein change: p.Phe2191fs; shifts the reading frame from phenylalanine 2191.
Molecular consequence: frameshift variant.
Genome position (GRCh38, 1-based): chr6:129,453,131, T deleted; the last of 3 consecutive T bases (chr6:129,453,129-129,453,131); deleting any one gives the same sequence. VCF-style (leftmost placement, unchanged base first): chr6-129453128-AT-A. GRCh37 (hg19) VCF-style: chr6-129774273-AT-A.
Other names: c.6573del, p.Phe2191fs (NM_001079823.2); short protein forms F2191fs.
Identifiers: ClinVar variation 1072450 (VCV001072450.8), dbSNP rs2114788848, ClinGen allele CA2499218078.

ClinVar aggregate classification (germline): Pathogenic (1 of 4 stars; one submission).

Conditions:
LAMA2-related muscular dystrophy (LAMA2-RD). Also called: Laminin alpha 2-related dystrophy. Identifiers: MedGen C5679788, MONDO:0100228.

Submission:

Labcorp Genetics (formerly Invitae), Labcorp
Classification: Pathogenic for LAMA2-related muscular dystrophy. Last evaluated: 2024-05-20. Review status: criteria provided, single submitter. Criteria: Invitae Variant Classification Sherloc (09022015). Collection method: clinical testing. Allele origin: germline.
Comment: This sequence change creates a premature translational stop signal (p.Phe2191Leufs*7) in the LAMA2 gene. It is expected to result in an absent or disrupted protein product. Loss-of-function variants in LAMA2 are known to be pathogenic (PMID: 18700894, 32904964). This variant is not present in population databases (gnomAD no frequency). This variant has not been reported in the literature in individuals affected with LAMA2-related conditions. ClinVar contains an entry for this variant (Variation ID: 1072450). For these reasons, this variant has been classified as Pathogenic.

Literature cited by the submitters: PubMed 18700894; PubMed 32904964.